The following is an entry in ClinVar:

NM_001379200.1(TBX1):c.1483_1488del (p.Pro495_Pro496del)

Gene: TBX1 (T-box transcription factor 1; plus strand). Cytogenetic location: 22q11.21.
Variant type: Deletion.
Coding change: c.1483_1488del on transcript NM_001379200.1 (MANE Select); coding-DNA positions 1483 to 1488, 6 bases deleted (CCGCCC; older notation c.1483_1488delCCGCCC).
Protein change: p.Pro495_Pro496del.
Molecular consequence: inframe deletion. On other transcripts: intron variant (2).
Genome position (GRCh38, 1-based): chr22:19,766,835-19,766,840, CCGCCC deleted. VCF-style (leftmost placement, unchanged base first): chr22-19766834-GCCGCCC-G. GRCh37 (hg19) VCF-style: chr22-19754357-GCCGCCC-G.
Other names: c.1456_1461del, p.Pro486_Pro487del (NM_080647.1); c.1009+833_1009+838del (NM_005992.1, NM_080646.2).
Identifiers: ClinVar variation 1968587 (VCV001968587.5), dbSNP rs2517859971, ClinGen allele CA2580099134.
Genomic context (GRCh38, chr22:19,766,834, plus strand): 5'-CGCCGCCGCCGCTGCCGCAGCTGCCGCGGCCGCCAACATGTACTCGTCGGCCGGAGCCGC[GCCGCCC>G]GGCTCCTACGACTATTGCCCCAGATAACACGGGCCCTGTCGCGCTCCCGCCCCGGTCCTG-3'

ClinVar aggregate classification (germline): Uncertain significance (1 of 4 stars; one submission).

Conditions:
DiGeorge syndrome. Also called: THIRD AND FOURTH PHARYNGEAL POUCH SYNDROME; Catch22. Identifiers: Orphanet 567, MedGen C0012236, MONDO:0008564, OMIM 188400.

Allele frequency attached by ClinVar (database versions not stated): gnomAD exomes below 0.00001.

Submission:

Labcorp Genetics (formerly Invitae), Labcorp
Classification: Uncertain significance for DiGeorge syndrome. Last evaluated: 2024-10-16. Review status: criteria provided, single submitter. Criteria: Invitae Variant Classification Sherloc (09022015). Collection method: clinical testing. Allele origin: germline.
Comment: This variant, c.1456_1461del, results in the deletion of 2 amino acid(s) of the TBX1 protein (p.Pro486_Pro487del), but otherwise preserves the integrity of the reading frame. This variant is not present in population databases (gnomAD no frequency). This variant has not been reported in the literature in individuals affected with TBX1-related conditions. ClinVar contains an entry for this variant (Variation ID: 1968587). Experimental studies and prediction algorithms are not available or were not evaluated, and the functional significance of this variant is currently unknown. In summary, the available evidence is currently insufficient to determine the role of this variant in disease. Therefore, it has been classified as a Variant of Uncertain Significance.